The following is an entry in ClinVar:

NM_002292.4(LAMB2):c.107C>T (p.Ala36Val)

Gene: LAMB2 (laminin subunit beta 2; minus strand). Cytogenetic location: 3p21.31.
Variant type: single nucleotide variant.
Coding change: c.107C>T on transcript NM_002292.4 (MANE Select); coding-DNA position 107, C replaced by T.
Protein change: p.Ala36Val; replaces alanine 36 with valine.
Molecular consequence: missense variant.
Genome position (GRCh38, 1-based): chr3:49,132,633, G>A on the plus strand (C>T on the coding strand, the complement: LAMB2 is on the minus strand). VCF-style: chr3-49132633-G-A. GRCh37 (hg19) VCF-style: chr3-49170066-G-A.
Other names: short protein forms A36V.
Identifiers: ClinVar variation 1936744 (VCV001936744.4), dbSNP rs778257221, ClinGen allele CA2395044.

ClinVar aggregate classification (germline): Uncertain significance (1 of 4 stars; one submission).

Conditions:
Pierson syndrome. Also called: MICROCORIA-CONGENITAL NEPHROTIC SYNDROME. Identifiers: Orphanet 2670, MedGen C1836876, MONDO:0012184, OMIM 609049.
LAMB2-related infantile-onset nephrotic syndrome. Also called: NEPHROTIC SYNDROME, TYPE 5, WITHOUT OCULAR ABNORMALITIES; NEPHROTIC SYNDROME, TYPE 5, WITH OCULAR ABNORMALITIES; Nephrotic Syndrome, type 5. Identifiers: Orphanet 306507, MedGen C3280113, MONDO:0013621, OMIM 614199.

Allele frequency attached by ClinVar (database versions not stated): ExAC 0.00001; gnomAD 0.00002; gnomAD exomes 0.00002; TOPMed 0.00002.

Submission:

Labcorp Genetics (formerly Invitae), Labcorp
Classification: Uncertain significance for LAMB2-related infantile-onset nephrotic syndrome; Pierson syndrome. Last evaluated: 2023-12-11. Review status: criteria provided, single submitter. Criteria: Invitae Variant Classification Sherloc (09022015). Collection method: clinical testing. Allele origin: germline.
Comment: This sequence change replaces alanine, which is neutral and non-polar, with valine, which is neutral and non-polar, at codon 36 of the LAMB2 protein (p.Ala36Val). This variant is present in population databases (rs778257221, gnomAD 0.002%). This variant has not been reported in the literature in individuals affected with LAMB2-related conditions. ClinVar contains an entry for this variant (Variation ID: 1936744). Algorithms developed to predict the effect of missense changes on protein structure and function output the following: SIFT: "Not Available"; PolyPhen-2: "Benign"; Align-GVGD: "Not Available". The valine amino acid residue is found in multiple mammalian species, which suggests that this missense change does not adversely affect protein function. In summary, the available evidence is currently insufficient to determine the role of this variant in disease. Therefore, it has been classified as a Variant of Uncertain Significance.